The following is an entry in ClinVar:

NM_170707.4(LMNA):c.1990A>T (p.Met664Leu)

Gene: LMNA (lamin A/C; plus strand). Cytogenetic location: 1q22.
Variant type: single nucleotide variant.
Coding change: c.1990A>T on transcript NM_170707.4 (MANE Select); coding-DNA position 1990, A replaced by T.
Protein change: p.Met664Leu; replaces methionine 664 with leucine.
Molecular consequence: missense variant.
Genome position (GRCh38, 1-based): chr1:156,139,101, A>T. VCF-style: chr1-156139101-A-T. GRCh37 (hg19) VCF-style: chr1-156108892-A-T.
Other names: c.1654A>T, p.Ile552Leu (NM_001257374.3); c.1840A>T, p.Met614Leu (NM_001282626.2); c.1900A>T, p.Met634Leu (NM_170708.4); short protein forms M664L, M634L, I552L, M614L.
Identifiers: ClinVar variation 565868 (VCV000565868.8), dbSNP rs748348868, ClinGen allele CA051948.

ClinVar aggregate classification (germline): Uncertain significance (1 of 4 stars; one submission).

Conditions:
Charcot-Marie-Tooth disease type 2. Also called: Charcot-Marie-Tooth type 2. Identifiers: Orphanet 64746, MedGen C0270914, MONDO:0018993.

Allele frequency attached by ClinVar (database versions not stated): gnomAD exomes below 0.00001; TOPMed below 0.00001; ExAC 0.00001.
gnomAD v4.1: 1 of 1,613,370 alleles (0.000062%); highest among the groups gnomAD compares: Non-Finnish European, 0.000085%; no homozygotes.

Submission:

Labcorp Genetics (formerly Invitae), Labcorp
Classification: Uncertain significance for Charcot-Marie-Tooth disease type 2. Last evaluated: 2024-02-11. Review status: criteria provided, single submitter. Criteria: Invitae Variant Classification Sherloc (09022015). Collection method: clinical testing. Allele origin: germline.
Comment: This sequence change replaces methionine, which is neutral and non-polar, with leucine, which is neutral and non-polar, at codon 664 of the LMNA protein (p.Met664Leu). This variant is present in population databases (rs748348868, gnomAD 0.0009%). This variant has not been reported in the literature in individuals affected with LMNA-related conditions. ClinVar contains an entry for this variant (Variation ID: 565868). Advanced modeling of protein sequence and biophysical properties (such as structural, functional, and spatial information, amino acid conservation, physicochemical variation, residue mobility, and thermodynamic stability) performed at Invitae indicates that this missense variant is expected to disrupt LMNA protein function with a positive predictive value of 95%. In summary, the available evidence is currently insufficient to determine the role of this variant in disease. Therefore, it has been classified as a Variant of Uncertain Significance.